The following is an entry in ClinVar:

NM_001161352.2(KCNMA1):c.3280A>G (p.Asn1094Asp)

Genes: KCNMA1 (potassium calcium-activated channel subfamily M alpha 1; minus strand), KCNMA1-AS1 (KCNMA1 antisense RNA 1; plus strand). Cytogenetic location: 10q22.3.
Variant type: single nucleotide variant.
Coding change: c.3280A>G on transcript NM_001161352.2 (MANE Select); coding-DNA position 3280, A replaced by G.
Protein change: p.Asn1094Asp; replaces asparagine 1094 with aspartic acid.
Molecular consequence: missense variant.
Genome position (GRCh38, 1-based): chr10:76,891,587, T>C on the plus strand (A>G on the coding strand, the complement: KCNMA1 is on the minus strand). VCF-style: chr10-76891587-T-C. GRCh37 (hg19) VCF-style: chr10-78651345-T-C.
Other names: c.3118A>G, p.Asn1040Asp (NM_001014797.3); c.3229A>G, p.Asn1077Asp (NM_001161353.2); c.2956A>G, p.Asn986Asp (NM_001271518.2); c.3196A>G, p.Asn1066Asp (NM_001271519.2); c.3115A>G, p.Asn1039Asp (NM_001322829.2, NM_001322836.2); c.3208A>G, p.Asn1070Asp (NM_001322830.2); c.3106A>G, p.Asn1036Asp (NM_001322832.2, NM_001410940.1, NM_002247.4); c.3199A>G, p.Asn1067Asp (NM_001322835.2, NM_001322837.2); and 1 more; short protein forms N1036D, N1039D, N1040D, N1066D, N1067D, N1070D, N1077D, N1094D.
Identifiers: ClinVar variation 2574804 (VCV002574804.1), dbSNP rs2548189388, ClinGen allele CA377403414.
Genomic context (GRCh38, chr10:76,891,587, plus strand): 5'-CTAAGTCCGCAAATGGCCCATCGAGCAGAGCTAACTGGGCCACGCGGCAGCGGTCCCTAT[T>C]GGCCAGTGTCTGCGGGGTGCTGTAGCCACCTCTAAGGGCGTTTTCCTCAGCAATCAGAGC-3'
Protein context (NP_001154824.1, residues 1084-1104): GGYSTPQTLA[Asn1094Asp]RDRCRVAQLA

ClinVar aggregate classification (germline): Uncertain significance (1 of 4 stars; one submission).

Submission:

GeneDx
Classification: Uncertain significance. Last evaluated: 2023-02-01. Review status: criteria provided, single submitter. Criteria: GeneDx Variant Classification Process June 2021. Collection method: clinical testing. Allele origin: germline. Affected: yes.
Comment: Not observed at significant frequency in large population cohorts (gnomAD); In silico analysis supports that this missense variant has a deleterious effect on protein structure/function; Has not been previously published as pathogenic or benign to our knowledge